The following is an entry in ClinVar:

ClinVar aggregate classification (germline): Uncertain significance (1 of 4 stars; one submission).

gnomAD v4.1: 1 of 1,614,028 alleles (0.000062%); highest among the groups gnomAD compares: Non-Finnish European, 0.000085%; no homozygotes.

Submission:

GeneDx
Classification: Uncertain significance. Last evaluated: 2026-04-14. Review status: criteria provided, single submitter. Criteria: GeneDx Variant Classification Process June 2021. Collection method: clinical testing. Allele origin: germline.
Comment: Not observed at significant frequency in large population cohorts (gnomAD); In silico analysis supports that this missense variant has a deleterious effect on protein structure/function; Has not been previously published as pathogenic or benign to our knowledge

NM_015100.4(POGZ):c.1634T>G (p.Leu545Arg)

Gene: POGZ (pogo transposable element derived with ZNF domain; minus strand). Cytogenetic location: 1q21.3.
Variant type: single nucleotide variant.
Coding change: c.1634T>G on transcript NM_015100.4 (MANE Select); coding-DNA position 1634, T replaced by G.
Protein change: p.Leu545Arg; replaces leucine 545 with arginine.
Molecular consequence: missense variant.
Genome position (GRCh38, 1-based): chr1:151,423,441, A>C on the plus strand (T>G on the coding strand, the complement: POGZ is on the minus strand). VCF-style: chr1-151423441-A-C. GRCh37 (hg19) VCF-style: chr1-151395917-A-C.
Other names: c.1607T>G, p.Leu536Arg (NM_001194937.2); c.1448T>G, p.Leu483Arg (NM_001194938.2); c.1655T>G, p.Leu552Arg (NM_001410860.1); c.1349T>G, p.Leu450Arg (NM_145796.4); c.1475T>G, p.Leu492Arg (NM_207171.2); short protein forms L450R, L483R, L492R, L536R, L545R, L552R.
Identifiers: ClinVar variation 3384399 (VCV003384399.2).
Genomic context (GRCh38, chr1:151,423,441, plus strand): 5'-GAGTTTCCAAACTTACTAGTAGATTCATAGGGACTATGAACATTTTCCAAGTGGCACTGA[A>C]GCTGGAAGGGAGTGGAAAACTGGCGGTAACAGTGCTGGCAGATAGTGTGACCATCTACCT-3'
Protein context (NP_055915.2, residues 535-555): CYRQFSTPFQ[Leu545Arg]QCHLENVHSP